The following is an entry in ClinVar:

ClinVar aggregate classification (germline): Likely pathogenic (1 of 4 stars; one submission).

Conditions:
Cardiac valvular dysplasia 2 (CVDP2). Identifiers: MedGen C5774226, MONDO:0859572, OMIM 620067.

Submission:

First Genomix Gene Laboratory, Genetic Diagnostics Department
Classification: Likely pathogenic for Cardiac valvular dysplasia 2. Last evaluated: 2025-07-09. Review status: criteria provided, single submitter. Criteria: ACMG Guidelines, 2015. Collection method: clinical testing. Allele origin: germline. Inheritance: Autosomal recessive inheritance. Affected: no. Observed: 1 variant allele.

NM_133638.6(ADAMTS19):c.2922dup (p.Arg975fs)

Gene: ADAMTS19 (ADAM metallopeptidase with thrombospondin type 1 motif 19; plus strand). Cytogenetic location: 5q23.3.
Variant type: Duplication.
Coding change: c.2922dup on transcript NM_133638.6 (MANE Select); coding-DNA position 2922, one base duplicated (T; older notation c.2922dupT).
Protein change: p.Arg975fs; shifts the reading frame from arginine 975.
Molecular consequence: frameshift variant.
Genome position (GRCh38, 1-based): chr5:129,694,823, T duplicated; the last of 2 consecutive T bases (chr5:129,694,822-129,694,823); duplicating either gives the same sequence. VCF-style (leftmost placement, unchanged base first): chr5-129694821-A-AT. GRCh37 (hg19) VCF-style: chr5-129030514-A-AT.
Other names: c.2922dupT (NM_133638.6); short protein forms R975fs.
Identifiers: ClinVar variation 4849330 (VCV004849330.1).